The following is an entry in ClinVar:

NM_005444.3(CNOT9):c.744A>G (p.Ala248=)

Gene: CNOT9 (CCR4-NOT transcription complex subunit 9; plus strand). Cytogenetic location: 2q35.
Variant type: single nucleotide variant.
Coding change: c.744A>G on transcript NM_005444.3 (MANE Select); coding-DNA position 744, A replaced by G.
Protein change: p.Ala248=; no amino-acid change (alanine 248 retained).
Molecular consequence: synonymous variant. On other transcripts: non-coding transcript variant (1).
Genome position (GRCh38, 1-based): chr2:218,594,120, A>G. VCF-style: chr2-218594120-A-G. GRCh37 (hg19) VCF-style: chr2-219458843-A-G.
Other names: c.840A>G, p.Ala280= (NM_001271634.2).
Identifiers: ClinVar variation 5038807 (VCV005038807.1).
Genomic context (GRCh38, chr2:218,594,120, plus strand): 5'-GGGTTTATTTGTTGGTCTCCCTGGTTGGTTTGTTTGTTTCTGATGTAGGGCACGTGAAGC[A>G]CTCAGACAGTGCCTCCCTGACCAGCTGAAAGACACAACCTTCGCCCAGGTGCTAAAAGAT-3'
Protein context (NP_005435.1, residues 238-258): RLSDNPRARE[Ala248=]LRQCLPDQLK

ClinVar aggregate classification (germline): Likely benign (1 of 4 stars; one submission).

gnomAD v4.1: 2,251 of 1,614,172 alleles (0.14%); highest among the groups gnomAD compares: Non-Finnish European, 0.18%; 1 homozygote.

Submission:

CeGaT Center for Human Genetics Tuebingen
Classification: Likely benign. Last evaluated: 2026-08-01. Review status: criteria provided, single submitter. Criteria: CeGaT Center For Human Genetics Tuebingen Variant Classification Criteria Version 2. Collection method: clinical testing. Allele origin: germline. Affected: yes. Observed: 1 variant allele.
Comment: CNOT9: BP4, BP7